The following is an entry in ClinVar:

ClinVar aggregate classification (germline): Uncertain significance (1 of 4 stars; one submission).

Submission:

Labcorp Genetics (formerly Invitae), Labcorp
Classification: Uncertain significance. Last evaluated: 2024-10-22. Review status: criteria provided, single submitter. Criteria: Invitae Variant Classification Sherloc (09022015). Collection method: clinical testing. Allele origin: germline.
Comment: This sequence change replaces tryptophan, which is neutral and slightly polar, with cysteine, which is neutral and slightly polar, at codon 81 of the RGR protein (p.Trp81Cys). This variant is not present in population databases (gnomAD no frequency). This variant has not been reported in the literature in individuals affected with RGR-related conditions. ClinVar contains an entry for this variant (Variation ID: 1476387). Experimental studies and prediction algorithms are not available or were not evaluated, and the functional significance of this variant is currently unknown. In summary, the available evidence is currently insufficient to determine the role of this variant in disease. Therefore, it has been classified as a Variant of Uncertain Significance.

NM_001012720.2(RGR):c.243G>T (p.Trp81Cys)

Gene: RGR (retinal G protein coupled receptor; plus strand). Cytogenetic location: 10q23.1.
Variant type: single nucleotide variant.
Coding change: c.243G>T on transcript NM_001012720.2 (MANE Select); coding-DNA position 243, G replaced by T.
Protein change: p.Trp81Cys; replaces tryptophan 81 with cysteine.
Molecular consequence: missense variant.
Genome position (GRCh38, 1-based): chr10:84,248,928, G>T. VCF-style: chr10-84248928-G-T. GRCh37 (hg19) VCF-style: chr10-86008684-G-T.
Other names: c.243G>T, p.Trp81Cys (NM_001012722.2); c.255G>T, p.Trp85Cys (NM_002921.4); short protein forms W81C, W85C.
Identifiers: ClinVar variation 1476387 (VCV001476387.6), dbSNP rs751515197, ClinGen allele CA377391031.